The following is an entry in ClinVar:

NM_004517.4(ILK):c.943A>G (p.Ile315Val)

Genes: ILK (integrin linked kinase; plus strand), TAF10 (TATA-box binding protein associated factor 10; minus strand). Cytogenetic location: 11p15.4.
Variant type: single nucleotide variant.
Coding change: c.943A>G on transcript NM_004517.4 (MANE Select); coding-DNA position 943, A replaced by G.
Protein change: p.Ile315Val; replaces isoleucine 315 with valine.
Molecular consequence: missense variant. On other transcripts: 3 prime UTR variant (1).
Genome position (GRCh38, 1-based): chr11:6,609,810, A>G. VCF-style: chr11-6609810-A-G. GRCh37 (hg19) VCF-style: chr11-6631041-A-G.
Other names: c.943A>G, p.Ile315Val (NM_001014794.3, NM_001014795.3); c.760A>G, p.Ile254Val (NM_001278441.2); c.541A>G, p.Ile181Val (NM_001278442.2); c.*1112T>C (NM_006284.4); short protein forms I315V, I254V, I181V.
Identifiers: ClinVar variation 3285932 (VCV003285932.1).

ClinVar aggregate classification (germline): Uncertain significance (1 of 4 stars; one submission).

gnomAD v4.1: 7 of 1,614,046 alleles (0.00043%); highest among the groups gnomAD compares: Non-Finnish European, 0.00017%; no homozygotes.

Submission:

Ambry Genetics
Classification: Uncertain significance. Last evaluated: 2024-05-02. Review status: criteria provided, single submitter. Criteria: Ambry Variant Classification Scheme 2023. Collection method: clinical testing. Allele origin: germline.
Comment: The p.I315V variant (also known as c.943A>G), located in coding exon 9 of the ILK gene, results from an A to G substitution at nucleotide position 943. The isoleucine at codon 315 is replaced by valine, an amino acid with highly similar properties. This amino acid position is conserved. In addition, the in silico prediction for this alteration is inconclusive. Based on the available evidence, the clinical significance of this variant remains unclear.